The following is an entry in ClinVar:

NM_001127222.2(CACNA1A):c.835C>A (p.Arg279Ser)

Gene: CACNA1A (calcium voltage-gated channel subunit alpha1 A; minus strand). Cytogenetic location: 19p13.13.
Variant type: single nucleotide variant.
Coding change: c.835C>A on transcript NM_001127222.2 (MANE Select); coding-DNA position 835, C replaced by A.
Protein change: p.Arg279Ser; replaces arginine 279 with serine.
Molecular consequence: missense variant.
Genome position (GRCh38, 1-based): chr19:13,359,749, G>T on the plus strand (C>A on the coding strand, the complement: CACNA1A is on the minus strand). VCF-style: chr19-13359749-G-T. GRCh37 (hg19) VCF-style: chr19-13470563-G-T.
Other names: c.835C>A, p.Arg279Ser (NM_000068.4, NM_001127221.2, NM_001174080.2 and 1 more transcripts); short protein forms R279S.
Identifiers: ClinVar variation 2952974 (VCV002952974.3), dbSNP rs1555773764, ClinGen allele CA404347325.
Genomic context (GRCh38, chr19:13,359,749, plus strand): 5'-TGATCCCGTTGTTGGGCCCTTCCCAGTAGGGCTGACATTTGGTCCCATTGGGGCAGGTGC[G>T]GGCGGGCTCTTCTGTCCCACATGGAGCCGGAGACTCACCCTGAATGTCATCTACAAAAGG-3'
Protein context (NP_001120694.1, residues 269-289): PAPCGTEEPA[Arg279Ser]TCPNGTKCQP

ClinVar aggregate classification (germline): Uncertain significance (1 of 4 stars; one submission).

Conditions:
Episodic ataxia type 2 (EA2). Also called: CEREBELLAR ATAXIA, PAROXYSMAL, ACETAZOLAMIDE-RESPONSIVE; CEREBELLOPATHY, HEREDITARY PAROXYSMAL; EPISODIC ATAXIA, NYSTAGMUS-ASSOCIATED; ACETAZOLAMIDE-RESPONSIVE HEREDITARY PAROXYSMAL CEREBELLAR ATAXIA; ATAXIA, EPISODIC, WITH NYSTAGMUS; ATAXIA, FAMILIAL PAROXYSMAL. Identifiers: Orphanet 97, MedGen C1720416, MONDO:0007163, OMIM 108500.
Developmental and epileptic encephalopathy, 42 (DEE42A). Also called: Epileptic encephalopathy, early infantile, 42; DEVELOPMENTAL AND EPILEPTIC ENCEPHALOPATHY 42A; EPILEPTIC ENCEPHALOPATHY, EARLY INFANTILE, 42A. Identifiers: MedGen C4310716, MONDO:0014917, OMIM 617106.

Submission:

Labcorp Genetics (formerly Invitae), Labcorp
Classification: Uncertain significance for Developmental and epileptic encephalopathy, 42; Episodic ataxia type 2. Last evaluated: 2023-10-17. Review status: criteria provided, single submitter. Criteria: Invitae Variant Classification Sherloc (09022015). Collection method: clinical testing. Allele origin: germline.
Comment: This sequence change replaces arginine, which is basic and polar, with serine, which is neutral and polar, at codon 279 of the CACNA1A protein (p.Arg279Ser). This variant is not present in population databases (gnomAD no frequency). This variant has not been reported in the literature in individuals affected with CACNA1A-related conditions. Advanced modeling of protein sequence and biophysical properties (such as structural, functional, and spatial information, amino acid conservation, physicochemical variation, residue mobility, and thermodynamic stability) has been performed at Invitae for this missense variant, however the output from this modeling did not meet the statistical confidence thresholds required to predict the impact of this variant on CACNA1A protein function. This variant disrupts the p.Arg279 amino acid residue in CACNA1A. Other variant(s) that disrupt this residue have been determined to be pathogenic (PMID: 26912519, 27066515, 28444220, 30142438; Invitae). This suggests that this residue is clinically significant, and that variants that disrupt this residue are likely to be disease-causing. In summary, the available evidence is currently insufficient to determine the role of this variant in disease. Therefore, it has been classified as a Variant of Uncertain Significance.

Literature cited by the submitters: PubMed 26912519; PubMed 27066515; PubMed 28444220; PubMed 30142438.